The following is an entry in ClinVar:

NC_000005.9:g.(?_74011325)_(74017010_?)del

Gene: HEXB (hexosaminidase subunit beta; plus strand). Cytogenetic location: 5q13.3.
Variant type: Deletion.
Identifiers: ClinVar variation 1405131 (VCV001405131.6).

ClinVar aggregate classification (germline): Pathogenic (1 of 4 stars; one submission).

Conditions:
Sandhoff disease. Also called: Beta-hexosaminidase-beta-subunit deficiency; GM2 gangliosidosis, type 2; Total hexosaminidase deficiency; Sandhoff-Jatzkewitz-Pilz disease; GM2-GANGLIOSIDOSIS, TYPE II; HEXOSAMINIDASES A AND B DEFICIENCY. Identifiers: Orphanet 796, MedGen C0036161, MONDO:0010006, OMIM 268800.

Submission:

Labcorp Genetics (formerly Invitae), Labcorp
Classification: Pathogenic for Sandhoff disease. Last evaluated: 2021-03-14. Review status: criteria provided, single submitter. Criteria: Invitae Variant Classification Sherloc (09022015). Collection method: clinical testing. Allele origin: germline.
Comment: This variant disrupts the C-terminus of the HEXB protein. Other variant(s) that disrupt this region (p.Tyr547*) have been determined to be pathogenic (Invitae). This suggests that variants that disrupt this region of the protein are likely to be causative of disease. For these reasons, this variant has been classified as Pathogenic. This variant has not been reported in the literature in individuals with HEXB-related conditions. This variant is a gross deletion of the genomic region encompassing exon(s) 8-14 of the HEXB gene. The 5' boundary is likely confined to intron 7. The 3' end of this event is unknown as it extends through the termination codon beyond the assayed region for this gene and may encompass additional genes. While this deletion is not anticipated to lead to nonsense mediated decay, it is expected to alter mRNA translation or result in a truncated protein product.